The following is an entry in ClinVar:

NM_022051.3(EGLN1):c.407C>T (p.Ser136Leu)

Gene: EGLN1 (egl-9 family hypoxia inducible factor 1; minus strand). Cytogenetic location: 1q42.2.
Variant type: single nucleotide variant.
Coding change: c.407C>T on transcript NM_022051.3 (MANE Select); coding-DNA position 407, C replaced by T.
Protein change: p.Ser136Leu; replaces serine 136 with leucine.
Molecular consequence: missense variant.
Genome position (GRCh38, 1-based): chr1:231,421,482, G>A on the plus strand (C>T on the coding strand, the complement: EGLN1 is on the minus strand). VCF-style: chr1-231421482-G-A. GRCh37 (hg19) VCF-style: chr1-231557228-G-A.
Other names: c.407C>T, p.Ser136Leu (NM_001377260.1, NM_001377261.1); short protein forms S136L.
Identifiers: ClinVar variation 1737610 (VCV001737610.3), dbSNP rs1336065364, ClinGen allele CA345237196.

ClinVar aggregate classification (germline): Uncertain significance (1 of 4 stars; one submission).

Allele frequency attached by ClinVar (database versions not stated): gnomAD exomes below 0.00001.
gnomAD v4.1: 3 of 1,392,936 alleles (0.00022%); highest among the groups gnomAD compares: Non-Finnish European, 0.00028%; no homozygotes.

Submission:

Ambry Genetics
Classification: Uncertain significance. Last evaluated: 2024-05-23. Review status: criteria provided, single submitter. Criteria: Ambry Variant Classification Scheme 2023. Collection method: clinical testing. Allele origin: germline.
Comment: The p.S136L variant (also known as c.407C>T), located in coding exon 1 of the EGLN1 gene, results from a C to T substitution at nucleotide position 407. The serine at codon 136 is replaced by leucine, an amino acid with dissimilar properties. This amino acid position is conserved. In addition, this alteration is predicted to be tolerated by in silico analysis. Since supporting evidence is limited at this time, the clinical significance of this alteration remains unclear.